The following is an entry in ClinVar:

NM_024642.5(GALNT12):c.325G>T (p.Asp109Tyr)

Gene: GALNT12 (polypeptide N-acetylgalactosaminyltransferase 12; plus strand). Cytogenetic location: 9q22.33.
Variant type: single nucleotide variant.
Coding change: c.325G>T on transcript NM_024642.5 (MANE Select); coding-DNA position 325, G replaced by T.
Protein change: p.Asp109Tyr; replaces aspartic acid 109 with tyrosine.
Molecular consequence: missense variant.
Genome position (GRCh38, 1-based): chr9:98,808,023, G>T. VCF-style: chr9-98808023-G-T. GRCh37 (hg19) VCF-style: chr9-101570305-G-T.
Other names: short protein forms D109Y.
Identifiers: ClinVar variation 1059581 (VCV001059581.13), dbSNP rs773910987, ClinGen allele CA5153911.

ClinVar aggregate classification (germline): Uncertain significance. Review status: criteria provided, multiple submitters, no conflicts (2 of 4 stars). 3 submissions from 3 submitters: Uncertain significance (3). Last evaluated 2024-11-24.

Allele frequency attached by ClinVar (database versions not stated): gnomAD exomes 0.00001 and 0.00002; gnomAD 0.00003.
gnomAD v4.1: 16 of 1,573,474 alleles (0.001%); highest among the groups gnomAD compares: Non-Finnish European, 0.00017%; no homozygotes.

Submissions (3):

Labcorp Genetics (formerly Invitae), Labcorp
Classification: Uncertain significance. Last evaluated: 2024-11-24. Review status: criteria provided, single submitter. Criteria: Invitae Variant Classification Sherloc (09022015). Collection method: clinical testing. Allele origin: germline.
Comment: This sequence change replaces aspartic acid, which is acidic and polar, with tyrosine, which is neutral and polar, at codon 109 of the GALNT12 protein (p.Asp109Tyr). The frequency data for this variant in the population databases is considered unreliable, as metrics indicate poor data quality at this position in the gnomAD database. This variant has not been reported in the literature in individuals affected with GALNT12-related conditions. ClinVar contains an entry for this variant (Variation ID: 1059581). Invitae Evidence Modeling of protein sequence and biophysical properties (such as structural, functional, and spatial information, amino acid conservation, physicochemical variation, residue mobility, and thermodynamic stability) indicates that this missense variant is expected to disrupt GALNT12 protein function with a positive predictive value of 80%. In summary, the available evidence is currently insufficient to determine the role of this variant in disease. Therefore, it has been classified as a Variant of Uncertain Significance.

Ambry Genetics
Classification: Uncertain significance. Last evaluated: 2024-09-05. Review status: criteria provided, single submitter. Criteria: Ambry Variant Classification Scheme 2023. Collection method: clinical testing. Allele origin: germline.
Comment: The p.D109Y variant (also known as c.325G>T), located in coding exon 1 of the GALNT12 gene, results from a G to T substitution at nucleotide position 325. The aspartic acid at codon 109 is replaced by tyrosine, an amino acid with highly dissimilar properties. This amino acid position is conserved. In addition, this alteration is predicted to be deleterious by in silico analysis. Since supporting evidence is limited at this time, the clinical significance of this alteration remains unclear.

Blueprint Genetics
Classification: Uncertain significance. Last evaluated: 2021-03-19. Review status: criteria provided, single submitter. Criteria: ACMG Guidelines, 2015. Collection method: clinical testing. Allele origin: germline.